The following is an entry in ClinVar:

ClinVar aggregate classification (germline): Likely benign. Review status: criteria provided, multiple submitters, no conflicts (2 of 4 stars). 2 submissions from 2 submitters: Likely benign (2). Last evaluated 2025-11-06.

Conditions:
PRDM5-related disorder. Also called: PRDM5-related condition.

Submissions (2):

PreventionGenetics, part of Exact Sciences
Classification: Likely benign for PRDM5-related condition. Last evaluated: 2025-11-06. Review status: criteria provided, single submitter. Criteria: ACMG Guidelines, 2015. Collection method: clinical testing. Allele origin: germline.
Comment: This variant is classified as likely benign based on ACMG/AMP sequence variant interpretation guidelines (Richards et al. 2015 PMID: 25741868, with internal and published modifications).

Labcorp Genetics (formerly Invitae), Labcorp
Classification: Likely benign. Last evaluated: 2022-06-14. Review status: criteria provided, single submitter. Criteria: Invitae Variant Classification Sherloc (09022015). Collection method: clinical testing. Allele origin: germline.

NM_018699.4(PRDM5):c.564A>T (p.Thr188=)

Gene: PRDM5 (PR/SET domain 5; minus strand). Cytogenetic location: 4q27.
Variant type: single nucleotide variant.
Coding change: c.564A>T on transcript NM_018699.4 (MANE Select); coding-DNA position 564, A replaced by T.
Protein change: p.Thr188=; no amino-acid change (threonine 188 retained).
Molecular consequence: synonymous variant.
Genome position (GRCh38, 1-based): chr4:120,818,439, T>A on the plus strand (A>T on the coding strand, the complement: PRDM5 is on the minus strand). VCF-style: chr4-120818439-T-A. GRCh37 (hg19) VCF-style: chr4-121739594-T-A.
Other names: c.564A>T, p.Thr188= (NM_001300823.2, NM_001300824.2, NM_001379104.1 and 1 more transcripts); c.564A>T (NM_018699.3).
Identifiers: ClinVar variation 2101575 (VCV002101575.5), dbSNP rs565174264, ClinGen allele CA441081622.